The following is an entry in ClinVar:

NM_032409.3(PINK1):c.17C>T (p.Ala6Val)

Gene: PINK1 (PTEN induced kinase 1; plus strand). Cytogenetic location: 1p36.12.
Variant type: single nucleotide variant.
Coding change: c.17C>T on transcript NM_032409.3 (MANE Select); coding-DNA position 17, C replaced by T.
Protein change: p.Ala6Val; replaces alanine 6 with valine.
Molecular consequence: missense variant.
Genome position (GRCh38, 1-based): chr1:20,633,565, C>T. VCF-style: chr1-20633565-C-T. GRCh37 (hg19) VCF-style: chr1-20960058-C-T.
Other names: short protein forms A6V.
Identifiers: ClinVar variation 3672205 (VCV003672205.2).
Genomic context (GRCh38, chr1:20,633,565, plus strand): 5'-TGGCGGCAGCGGCGGCTGCGGGGGCACCGGGCCGCGGCGCCACCATGGCGGTGCGACAGG[C>T]GCTGGGCCGCGGCCTGCAGCTGGGTCGAGCGCTGCTGCTGCGCTTCACGGGCAAGCCCGG-3'
Protein context (NP_115785.1, residues 1-16): MAVRQ[Ala6Val]LGRGLQLGRA

ClinVar aggregate classification (germline): Uncertain significance (1 of 4 stars; one submission).

Conditions:
Autosomal recessive early-onset Parkinson disease 6 (PARK6). Also called: PARKINSON DISEASE 6, EARLY-ONSET; PARKINSON DISEASE 6, MODIFIER OF; PINK1 Type of Young-Onset Parkinson Disease; PINK1-Related Parkinson Disease. Identifiers: Orphanet 2828, MedGen C1853833, MONDO:0011613, OMIM 605909.

gnomAD v4.1: 30 of 1,189,124 alleles (0.0025%); highest among the groups gnomAD compares: Middle Eastern, 0.034%; no homozygotes.

Submission:

Labcorp Genetics (formerly Invitae), Labcorp
Classification: Uncertain significance for Autosomal recessive early-onset Parkinson disease 6. Last evaluated: 2024-10-06. Review status: criteria provided, single submitter. Criteria: Invitae Variant Classification Sherloc (09022015). Collection method: clinical testing. Allele origin: germline.
Comment: This sequence change replaces alanine, which is neutral and non-polar, with valine, which is neutral and non-polar, at codon 6 of the PINK1 protein (p.Ala6Val). This variant is not present in population databases (gnomAD no frequency). This variant has not been reported in the literature in individuals affected with PINK1-related conditions. Invitae Evidence Modeling of protein sequence and biophysical properties (such as structural, functional, and spatial information, amino acid conservation, physicochemical variation, residue mobility, and thermodynamic stability) indicates that this missense variant is not expected to disrupt PINK1 protein function with a negative predictive value of 95%. In summary, the available evidence is currently insufficient to determine the role of this variant in disease. Therefore, it has been classified as a Variant of Uncertain Significance.